The following is an entry in ClinVar:

ClinVar aggregate classification (germline): Uncertain significance (1 of 4 stars; one submission).

Conditions:
Tyrosinemia type I (TYRSN1). Also called: FAH DEFICIENCY; Tyrosinemia type 1; Fumarylacetoacetase deficiency; Deficiency of fumarylacetoacetase; HEPATORENAL TYROSINEMIA. Identifiers: Orphanet 882, MedGen C0268490, MONDO:0010161, OMIM 276700. Disease mechanism: loss of function.

Allele frequency attached by ClinVar (database versions not stated): TOPMed below 0.00001; ExAC 0.00002; gnomAD exomes 0.00002.
gnomAD v4.1: 6 of 1,613,906 alleles (0.00037%); highest among the groups gnomAD compares: Admixed American, 0.01%; no homozygotes.

Submission:

Labcorp Genetics (formerly Invitae), Labcorp
Classification: Uncertain significance for Tyrosinemia type I. Last evaluated: 2023-08-30. Review status: criteria provided, single submitter. Criteria: Invitae Variant Classification Sherloc (09022015). Collection method: clinical testing. Allele origin: germline.
Comment: In summary, the available evidence is currently insufficient to determine the role of this variant in disease. Therefore, it has been classified as a Variant of Uncertain Significance. Advanced modeling of protein sequence and biophysical properties (such as structural, functional, and spatial information, amino acid conservation, physicochemical variation, residue mobility, and thermodynamic stability) performed at Invitae indicates that this missense variant is not expected to disrupt FAH protein function. ClinVar contains an entry for this variant (Variation ID: 1517722). This variant has not been reported in the literature in individuals affected with FAH-related conditions. This variant is present in population databases (rs770665329, gnomAD 0.01%). This sequence change replaces lysine, which is basic and polar, with glutamine, which is neutral and polar, at codon 368 of the FAH protein (p.Lys368Gln).

NM_000137.4(FAH):c.1102A>C (p.Lys368Gln)

Gene: FAH (fumarylacetoacetate hydrolase; plus strand). Cytogenetic location: 15q25.1.
Variant type: single nucleotide variant.
Coding change: c.1102A>C on transcript NM_000137.4 (MANE Select); coding-DNA position 1102, A replaced by C.
Protein change: p.Lys368Gln; replaces lysine 368 with glutamine.
Molecular consequence: missense variant.
Genome position (GRCh38, 1-based): chr15:80,181,081, A>C. VCF-style: chr15-80181081-A-C. GRCh37 (hg19) VCF-style: chr15-80473423-A-C.
Other names: c.1102A>C, p.Lys368Gln (NM_001374377.1, NM_001374380.1); short protein forms K368Q.
Identifiers: ClinVar variation 1517722 (VCV001517722.6), dbSNP rs770665329, ClinGen allele CA7691490.